The following is an entry in ClinVar:

NM_001122681.2(SH3BP2):c.496C>T (p.Pro166Ser)

Gene: SH3BP2 (SH3 domain binding protein 2; plus strand). Cytogenetic location: 4p16.3.
Variant type: single nucleotide variant.
Coding change: c.496C>T on transcript NM_001122681.2 (MANE Select); coding-DNA position 496, C replaced by T.
Protein change: p.Pro166Ser; replaces proline 166 with serine.
Molecular consequence: missense variant.
Genome position (GRCh38, 1-based): chr4:2,827,297, C>T. VCF-style: chr4-2827297-C-T. GRCh37 (hg19) VCF-style: chr4-2829024-C-T.
Other names: c.580C>T, p.Pro194Ser (NM_001145855.2); c.667C>T, p.Pro223Ser (NM_001145856.2); c.496C>T, p.Pro166Ser (NM_003023.4); short protein forms P194S, P166S, P223S.
Identifiers: ClinVar variation 2972100 (VCV002972100.3), dbSNP rs2530338646, ClinGen allele CA356054624.

ClinVar aggregate classification (germline): Uncertain significance (1 of 4 stars; one submission).

Conditions:
Fibrous dysplasia of jaw (CRBM). Also called: Cherubism. Identifiers: Orphanet 184, MedGen C0008029, MONDO:0007315, OMIM 118400.

Allele frequency attached by ClinVar (database versions not stated): gnomAD exomes below 0.00001.

Submission:

Labcorp Genetics (formerly Invitae), Labcorp
Classification: Uncertain significance for Fibrous dysplasia of jaw. Last evaluated: 2023-12-27. Review status: criteria provided, single submitter. Criteria: Invitae Variant Classification Sherloc (09022015). Collection method: clinical testing. Allele origin: germline.
Comment: This sequence change replaces proline, which is neutral and non-polar, with serine, which is neutral and polar, at codon 166 of the SH3BP2 protein (p.Pro166Ser). This variant is not present in population databases (gnomAD no frequency). This variant has not been reported in the literature in individuals affected with SH3BP2-related conditions. Advanced modeling of protein sequence and biophysical properties (such as structural, functional, and spatial information, amino acid conservation, physicochemical variation, residue mobility, and thermodynamic stability) performed at Invitae indicates that this missense variant is not expected to disrupt SH3BP2 protein function with a negative predictive value of 80%. In summary, the available evidence is currently insufficient to determine the role of this variant in disease. Therefore, it has been classified as a Variant of Uncertain Significance.